The following is an entry in ClinVar:

ClinVar aggregate classification (germline): Uncertain significance. Review status: criteria provided, multiple submitters, no conflicts (2 of 4 stars). 2 submissions from 2 submitters: Uncertain significance (2). Last evaluated 2022-05-12.

Conditions:
Majeed syndrome (MJDS). Also called: LPIN2-Related Majeed Syndrome; CHRONIC RECURRENT MULTIFOCAL OSTEOMYELITIS 1, WITH CONGENITAL DYSERYTHROPOIETIC ANEMIA, WITH OR WITHOUT NEUTROPHILIC DERMATOSIS. Identifiers: Orphanet 77297, MedGen C1864997, MONDO:0012316, OMIM 609628.

Allele frequency attached by ClinVar (database versions not stated): TOPMed below 0.00001; ExAC 0.00001; gnomAD 0.00001; gnomAD exomes 0.00001; ESP Exome Variant Server 0.00008.
gnomAD v4.1: 4 of 1,613,624 alleles (0.00025%); highest among the groups gnomAD compares: African/African-American, 0.0013%; no homozygotes.

Submissions (2):

Fulgent Genetics
Classification: Uncertain significance for Majeed syndrome. Last evaluated: 2022-05-12. Review status: criteria provided, single submitter. Criteria: ACMG Guidelines, 2015. Collection method: clinical testing. Allele origin: unknown.

Labcorp Genetics (formerly Invitae), Labcorp
Classification: Uncertain significance for Majeed syndrome. Last evaluated: 2019-09-03. Review status: criteria provided, single submitter. Criteria: Invitae Variant Classification Sherloc (09022015). Collection method: clinical testing. Allele origin: germline.
Comment: This sequence change affects an acceptor splice site in the last intron (intron 19) of the LPIN2 gene. While this is not anticipated to result in nonsense mediated decay, it likely alters RNA splicing and results in a disrupted protein product. This variant is present in population databases (rs145858312, ExAC 0.01%). This variant has not been reported in the literature in individuals with LPIN2-related conditions. ClinVar contains an entry for this variant (Variation ID: 631799). Nucleotide substitutions within the consensus splice site are a relatively common cause of aberrant splicing (PMID: 17576681, 9536098). Algorithms developed to predict the effect of sequence changes on RNA splicing suggest that this variant may disrupt the consensus splice site, but this prediction has not been confirmed by published transcriptional studies. In summary, the available evidence is currently insufficient to determine the role of this variant in disease. Therefore, it has been classified as a Variant of Uncertain Significance.

NM_001375808.2(LPIN2):c.2547-1G>A

Gene: LPIN2 (lipin 2; minus strand). Cytogenetic location: 18p11.31.
Variant type: single nucleotide variant.
Coding change: c.2547-1G>A on transcript NM_001375808.2 (MANE Select); the canonical splice acceptor site of the intron before coding-DNA position 2547, G replaced by A.
Molecular consequence: splice acceptor variant.
Genome position (GRCh38, 1-based): chr18:2,920,438, C>T on the plus strand (G>A on the coding strand, the complement: LPIN2 is on the minus strand). VCF-style: chr18-2920438-C-T. GRCh37 (hg19) VCF-style: chr18-2920436-C-T.
Other names: c.2547-1G>A (NM_014646.2, NM_001375809.1).
Identifiers: ClinVar variation 631799 (VCV000631799.6), dbSNP rs145858312, ClinGen allele CA8872667.